The following is an entry in ClinVar:

ClinVar aggregate classification (germline): Uncertain significance (1 of 4 stars; one submission).

Submission:

Labcorp Genetics (formerly Invitae), Labcorp
Classification: Uncertain significance. Last evaluated: 2025-08-18. Review status: criteria provided, single submitter. Criteria: Invitae Variant Classification Sherloc (09022015). Collection method: clinical testing. Allele origin: germline.
Comment: This sequence change creates a premature translational stop signal (p.Glu156Lysfs*7) in the POLR3F gene. It is expected to result in an absent or disrupted protein product. However, the current clinical and genetic evidence is not sufficient to establish whether loss-of-function variants in POLR3F cause disease. This variant is present in population databases (no rsID available, gnomAD 0.002%). This variant has not been reported in the literature in individuals affected with POLR3F-related conditions. In summary, the available evidence is currently insufficient to determine the role of this variant in disease. Therefore, it has been classified as a Variant of Uncertain Significance.

NM_006466.4(POLR3F):c.588del (p.Glu197fs)

Gene: POLR3F (RNA polymerase III subunit F; plus strand). Cytogenetic location: 20p11.23.
Variant type: Deletion.
Coding change: c.588del on transcript NM_006466.4 (MANE Select); coding-DNA position 588, one base deleted (A; older notation c.588delA).
Protein change: p.Glu197fs; shifts the reading frame from glutamic acid 197.
Molecular consequence: frameshift variant. On other transcripts: non-coding transcript variant (1).
Genome position (GRCh38, 1-based): chr20:18,480,416, A deleted. VCF-style (leftmost placement, unchanged base first): chr20-18480415-GA-G. GRCh37 (hg19) VCF-style: chr20-18461059-GA-G.
Other names: c.465del, p.Glu156fs (NM_001282526.2); c.444del, p.Glu149fs (NM_001410821.1); short protein forms E156fs, E149fs, E197fs.
Identifiers: ClinVar variation 4781120 (VCV004781120.1).